The following is an entry in ClinVar:

ClinVar aggregate classification (germline): Conflicting classifications of pathogenicity. Review status: criteria provided, conflicting classifications (1 of 4 stars). 6 submissions from 6 submitters: Uncertain significance (3); Likely benign (3). Last evaluated 2026-08-03.

Conditions:
COL9A1-related disorder. Also called: COL9A1-related condition; COL9A1-related disorders.
Inborn genetic diseases. Identifiers: MedGen C0950123, MeSH D030342.

Allele frequency attached by ClinVar (database versions not stated): gnomAD exomes 0.00004; ExAC 0.00007; gnomAD 0.00029 and 0.00033; TOPMed 0.00029; ESP Exome Variant Server 0.00038.
gnomAD v4.1: 88 of 1,614,104 alleles (0.0055%); highest among the groups gnomAD compares: African/African-American, 0.097%; no homozygotes.

Submissions (6):

PreventionGenetics, part of Exact Sciences
Classification: Uncertain significance for COL9A1-related condition. Last evaluated: 2026-08-03. Review status: criteria provided, single submitter. Criteria: ACMG Guidelines, 2015. Collection method: clinical testing. Allele origin: germline.
Comment: The COL9A1 c.452A>T variant is predicted to result in the amino acid substitution p.Gln151Leu. To our knowledge, this variant has not been reported in the literature. This variant is reported in 0.072% of alleles in individuals of African descent in gnomAD, which may be too frequent to be a primary cause of disease. Although we suspect that this variant may be benign, at this time, the clinical significance of this variant is uncertain due to the absence of conclusive functional and genetic evidence.

Labcorp Genetics (formerly Invitae), Labcorp
Classification: Likely benign. Last evaluated: 2026-01-12. Review status: criteria provided, single submitter. Criteria: Invitae Variant Classification Sherloc (09022015). Collection method: clinical testing. Allele origin: germline.

Blueprint Genetics
Classification: Likely benign. Last evaluated: 2024-10-07. Review status: criteria provided, single submitter. Criteria: ACMG Guidelines, 2015. Collection method: clinical testing. Allele origin: germline.

GeneDx
Classification: Uncertain significance. Last evaluated: 2024-07-16. Review status: criteria provided, single submitter. Criteria: GeneDx Variant Classification Process June 2021. Collection method: clinical testing. Allele origin: germline. Affected: yes.
Comment: In silico analysis supports that this missense variant has a deleterious effect on protein structure/function; Has not been previously published as pathogenic or benign to our knowledge

CeGaT Center for Human Genetics Tuebingen
Classification: Likely benign. Last evaluated: 2022-03-01. Review status: criteria provided, single submitter. Criteria: CeGaT Center For Human Genetics Tuebingen Variant Classification Criteria Version 2. Collection method: clinical testing. Allele origin: germline. Affected: yes. Observed: 1 variant allele.
Comment: COL9A1: BP4

Ambry Genetics
Classification: Uncertain significance for Inborn genetic diseases. Last evaluated: 2021-07-21. Review status: criteria provided, single submitter. Criteria: Ambry Variant Classification Scheme 2023. Collection method: clinical testing. Allele origin: germline.

NM_001851.6(COL9A1):c.452A>T (p.Gln151Leu)

Gene: COL9A1 (collagen type IX alpha 1 chain; minus strand). Cytogenetic location: 6q13.
Variant type: single nucleotide variant.
Coding change: c.452A>T on transcript NM_001851.6 (MANE Select); coding-DNA position 452, A replaced by T.
Protein change: p.Gln151Leu; replaces glutamine 151 with leucine.
Molecular consequence: missense variant.
Genome position (GRCh38, 1-based): chr6:70,294,411, T>A on the plus strand (A>T on the coding strand, the complement: COL9A1 is on the minus strand). VCF-style: chr6-70294411-T-A. GRCh37 (hg19) VCF-style: chr6-71004114-T-A.
Other names: c.452A>T, p.Gln151Leu (NM_001377291.1); short protein forms Q151L.
Identifiers: ClinVar variation 843903 (VCV000843903.40), dbSNP rs149389568, ClinGen allele CA3882807.